The following is an entry in ClinVar:

ClinVar aggregate classification (germline): Uncertain significance. Review status: criteria provided, multiple submitters, no conflicts (2 of 4 stars). 2 submissions from 2 submitters: Uncertain significance (2). Last evaluated 2025-03-17.

Conditions:
Inborn genetic diseases. Identifiers: MedGen C0950123, MeSH D030342.

Allele frequency attached by ClinVar (database versions not stated): TOPMed 0.00012; gnomAD 0.00013; 1000 Genomes Project 30x 0.00031; 1000 Genomes Project 0.00040.
gnomAD v4.1: 261 of 1,604,448 alleles (0.016%); highest among the groups gnomAD compares: South Asian, 0.11%; 2 homozygotes.

Submissions (5):

Labcorp Genetics (formerly Invitae), Labcorp
Classification: Uncertain significance. Last evaluated: 2025-03-17. Review status: criteria provided, single submitter. Criteria: Invitae Variant Classification Sherloc (09022015). Collection method: clinical testing. Allele origin: germline.
Comment: This sequence change replaces threonine, which is neutral and polar, with methionine, which is neutral and non-polar, at codon 1635 of the FOCAD protein (p.Thr1635Met). This variant is present in population databases (rs545740798, gnomAD 0.1%), and has an allele count higher than expected for a pathogenic variant. This variant has not been reported in the literature in individuals affected with FOCAD-related conditions. ClinVar contains an entry for this variant (Variation ID: 2589759). Experimental studies and prediction algorithms are not available or were not evaluated, and the functional significance of this variant is currently unknown. In summary, the available evidence is currently insufficient to determine the role of this variant in disease. Therefore, it has been classified as a Variant of Uncertain Significance.

Ambry Genetics
Classification: Uncertain significance for Inborn genetic diseases. Last evaluated: 2023-07-11. Review status: criteria provided, single submitter. Criteria: Ambry Variant Classification Scheme 2023. Collection method: clinical testing. Allele origin: germline.

Dr. Peter K. Rogan Lab, Western University
No classification provided (evidence only). Condition: Cervical cancer. Review status: no classification provided. Collection method: in vitro. Allele origin: not applicable. Functional consequence: retained intron. Not counted in ClinVar's aggregate classification.

Dr. Peter K. Rogan Lab, Western University
No classification provided (evidence only). Condition: Malignant tumor of esophagus. Review status: no classification provided. Collection method: in vitro. Allele origin: not applicable. Functional consequence: retained intron. Not counted in ClinVar's aggregate classification.

Dr. Peter K. Rogan Lab, Western University
No classification provided (evidence only). Condition: Malignant tumor of esophagus. Review status: no classification provided. Collection method: in vitro. Allele origin: not applicable. Functional consequence: retained intron. Not counted in ClinVar's aggregate classification.

NM_001375567.1(FOCAD):c.4904C>T (p.Thr1635Met)

Gene: FOCAD (focadhesin; plus strand). Cytogenetic location: 9p21.3.
Variant type: single nucleotide variant.
Coding change: c.4904C>T on transcript NM_001375567.1 (MANE Select); coding-DNA position 4904, C replaced by T.
Protein change: p.Thr1635Met; replaces threonine 1635 with methionine.
Molecular consequence: missense variant.
Genome position (GRCh38, 1-based): chr9:20,986,463, C>T. VCF-style: chr9-20986463-C-T. GRCh37 (hg19) VCF-style: chr9-20986462-C-T.
Other names: c.4799C>T, p.Thr1600Met (NM_001375568.1, NM_001375570.1); c.4904C>T, p.Thr1635Met (NM_017794.5); short protein forms T1600M, T1635M.
Identifiers: ClinVar variation 2589759 (VCV002589759.5), dbSNP rs545740798, ClinGen allele CA5008095.
Genomic context (GRCh38, chr9:20,986,463, plus strand): 5'-TGTTGGCCTGGATGATTCTGCACAGCTTATACCAGGCACGGATTGTGAGCCATGCCAATA[C>T]GGGTGAGGACACCCTGGGGTGAACATCAGAAACAGGAATAGATCTGCCTGCTGTTGCTTT-3'
Protein context (NP_001362496.1, residues 1625-1645): YQARIVSHAN[Thr1635Met]GVLKRMEWLL